The following is an entry in ClinVar:

ClinVar aggregate classification (germline): Likely benign (1 of 4 stars; one submission).

Submission:

CeGaT Center for Human Genetics Tuebingen
Classification: Likely benign. Last evaluated: 2026-07-01. Review status: criteria provided, single submitter. Criteria: CeGaT Center For Human Genetics Tuebingen Variant Classification Criteria Version 2. Collection method: clinical testing. Allele origin: germline. Affected: yes. Observed: 1 variant allele.
Comment: CDT1: PM2:Supporting, BP4, BP7

NM_030928.4(CDT1):c.819A>G (p.Pro273=)

Gene: CDT1 (chromatin licensing and DNA replication factor 1; plus strand). Cytogenetic location: 16q24.3.
Variant type: single nucleotide variant.
Coding change: c.819A>G on transcript NM_030928.4 (MANE Select); coding-DNA position 819, A replaced by G.
Protein change: p.Pro273=; no amino-acid change (proline 273 retained).
Molecular consequence: synonymous variant.
Genome position (GRCh38, 1-based): chr16:88,805,856, A>G. VCF-style: chr16-88805856-A-G. GRCh37 (hg19) VCF-style: chr16-88872264-A-G.
Identifiers: ClinVar variation 5039544 (VCV005039544.1).
Genomic context (GRCh38, chr16:88,805,856, plus strand): 5'-CAGTGTCCCCACCTTCAAGGATGGCACCAGGAGGTCAGATTACCAGCTCACCATCGAGCC[A>G]CTGCTGGAGCAGGGTGAGTGCTGGGTGCGGGACCTCGGTTTCCCCATCTGTGAGCCGCAC-3'
Protein context (NP_112190.2, residues 263-283): RRSDYQLTIE[Pro273=]LLEQEADGAA